The following is an entry in ClinVar:

NC_000023.10:g.(?_135067662)_(136652229_?)del

Genes: MAP7D3 (MAP7 domain containing 3; minus strand), RBMX (RNA binding motif protein X-linked; minus strand), HTATSF1 (HIV-1 Tat specific factor 1; plus strand), FHL1 (four and a half LIM domains 1; plus strand), GPR101 (G protein-coupled receptor 101; minus strand) and 7 more. Cytogenetic location: Xq26.3.
Variant type: Deletion.
Identifiers: ClinVar variation 1458589 (VCV001458589.9).

ClinVar aggregate classification (germline): Pathogenic. Review status: criteria provided, single submitter (1 of 4 stars). 3 submissions from 1 submitter: Pathogenic (3). Last evaluated 2023-04-21.

Conditions:
Hyper-IgM syndrome type 1. Also called: Hyper-IgM Immunodeficiency Syndrome, Type 1; CD40 Ligand Deficiency; X-linked hyper-IgM syndrome; Immunodeficiency, X-linked, with hyper-IgM. Identifiers: Orphanet 101088, MedGen C0398689, MONDO:0010626, OMIM 308230.
Heterotaxy, visceral, 1, X-linked (HTX1). Also called: DEXTROCARDIA WITH OTHER CARDIAC MALFORMATIONS; Laterality, X-linked; Visceral heterotaxia; SITUS INVERSUS, COMPLEX CARDIAC DEFECTS, AND SPLENIC DEFECTS, X-LINKED. Identifiers: Orphanet 450, MedGen C1844020, MONDO:0010607, OMIM 306955.
Christianson syndrome (MRXSCH). Also called: SLC9A6-Related Syndromic Mental Retardation; INTELLECTUAL DEVELOPMENTAL DISORDER, X-LINKED, SYNDROMIC, CHRISTIANSON TYPE; X-linked mental retardation, syndromic, Christianson type. Identifiers: Orphanet 85278, MedGen C2678194, MONDO:0010278, OMIM 300243.

Submissions (3):

Labcorp Genetics (formerly Invitae), Labcorp
Classification: Pathogenic for Heterotaxy, visceral, 1, X-linked. Last evaluated: 2023-04-21. Review status: criteria provided, single submitter. Criteria: Invitae Variant Classification Sherloc (09022015). Collection method: clinical testing. Allele origin: germline.
Comment: For these reasons, this variant has been classified as Pathogenic. A similar copy number variant has been observed in individual(s) with ZIC3-related conditions (PMID: 21465648). A gross deletion of the genomic region encompassing the full coding sequence of the ZIC3 gene has been identified. Loss-of-function variants in ZIC3 are known to be pathogenic (PMID: 24123890). The boundaries of this event are unknown as they extend beyond the assayed region for this gene and therefore may encompass additional genes.

Labcorp Genetics (formerly Invitae), Labcorp
Classification: Pathogenic for Christianson syndrome. Last evaluated: 2022-08-28. Review status: criteria provided, single submitter. Criteria: Invitae Variant Classification Sherloc (09022015). Collection method: clinical testing. Allele origin: germline.
Comment: A gross deletion of the genomic region encompassing the full coding sequence of the SLC9A6 gene has been identified. Loss-of-function variants in SLC9A6 are known to be pathogenic (PMID: 18342287). The boundaries of this event are unknown as they extend beyond the assayed region for this gene and therefore may encompass additional genes. This variant has not been reported in the literature in individuals affected with SLC9A6-related conditions. For these reasons, this variant has been classified as Pathogenic.

Labcorp Genetics (formerly Invitae), Labcorp
Classification: Pathogenic for Hyper-IgM syndrome type 1. Last evaluated: 2022-06-27. Review status: criteria provided, single submitter. Criteria: Invitae Variant Classification Sherloc (09022015). Collection method: clinical testing. Allele origin: germline.
Comment: A gross deletion of the genomic region encompassing the full coding sequence of the CD40LG gene has been identified. Loss-of-function variants in CD40LG are known to be pathogenic (PMID: 15319456). The boundaries of this event are unknown as they extend beyond the assayed region for this gene and therefore may encompass additional genes. A similar copy number variant has been observed in individual(s) with hyper IgM syndrome (PMID: 15358621, 16019685). For these reasons, this variant has been classified as Pathogenic.

Literature cited by the submitters: PubMed 21465648; PubMed 24123890; PubMed 18342287; PubMed 15319456; PubMed 15358621; PubMed 16019685.